The following is an entry in ClinVar:

ClinVar aggregate classification (germline): Uncertain significance. Review status: criteria provided, multiple submitters, no conflicts (2 of 4 stars). 2 submissions from 2 submitters: Uncertain significance (2). Last evaluated 2024-04-08.

Conditions:
Hereditary cancer-predisposing syndrome. Also called: Hereditary Cancer Syndrome; Hereditary neoplastic syndrome; Neoplastic Syndromes, Hereditary; Tumor predisposition. Identifiers: Orphanet 140162, MedGen C0027672, MeSH D009386, MONDO:0015356.
Fanconi anemia (FA). Also called: Fanconi's anemia. Identifiers: Orphanet 84, MedGen C0015625, MeSH D005199, MONDO:0019391.

Submissions (2):

Labcorp Genetics (formerly Invitae), Labcorp
Classification: Uncertain significance for Fanconi anemia. Last evaluated: 2024-04-08. Review status: criteria provided, single submitter. Criteria: Invitae Variant Classification Sherloc (09022015). Collection method: clinical testing. Allele origin: germline.
Comment: This sequence change replaces valine, which is neutral and non-polar, with leucine, which is neutral and non-polar, at codon 154 of the FANCC protein (p.Val154Leu). This variant is not present in population databases (gnomAD no frequency). This variant has not been reported in the literature in individuals affected with FANCC-related conditions. ClinVar contains an entry for this variant (Variation ID: 1741882). Advanced modeling of protein sequence and biophysical properties (such as structural, functional, and spatial information, amino acid conservation, physicochemical variation, residue mobility, and thermodynamic stability) has been performed at Invitae for this missense variant, however the output from this modeling did not meet the statistical confidence thresholds required to predict the impact of this variant on FANCC protein function. In summary, the available evidence is currently insufficient to determine the role of this variant in disease. Therefore, it has been classified as a Variant of Uncertain Significance.

Ambry Genetics
Classification: Uncertain significance for Hereditary cancer-predisposing syndrome. Last evaluated: 2022-09-04. Review status: criteria provided, single submitter. Criteria: Ambry Variant Classification Scheme 2023. Collection method: clinical testing. Allele origin: germline.
Comment: The p.V154L variant (also known as c.460G>C), located in coding exon 5 of the FANCC gene, results from a G to C substitution at nucleotide position 460. The valine at codon 154 is replaced by leucine, an amino acid with highly similar properties. This amino acid position is conserved. In addition, the in silico prediction for this alteration is inconclusive. Since supporting evidence is limited at this time, the clinical significance of this alteration remains unclear.

NM_000136.3(FANCC):c.460G>C (p.Val154Leu)

Gene: FANCC (FA complementation group C; minus strand). Cytogenetic location: 9q22.32.
Variant type: single nucleotide variant.
Coding change: c.460G>C on transcript NM_000136.3 (MANE Select); coding-DNA position 460, G replaced by C.
Protein change: p.Val154Leu; replaces valine 154 with leucine.
Molecular consequence: missense variant.
Genome position (GRCh38, 1-based): chr9:95,171,140, C>G on the plus strand (G>C on the coding strand, the complement: FANCC is on the minus strand). VCF-style: chr9-95171140-C-G. GRCh37 (hg19) VCF-style: chr9-97933422-C-G.
Other names: c.460G>C, p.Val154Leu (NM_001243743.2, NM_001243744.2); short protein forms V154L.
Identifiers: ClinVar variation 1741882 (VCV001741882.7), dbSNP rs761396597, ClinGen allele CA374338670.